The following is an entry in ClinVar:

NM_000051.4(ATM):c.5672C>A (p.Ser1891Ter)

Gene: ATM (ATM serine/threonine kinase; plus strand). Cytogenetic location: 11q22.3.
Variant type: single nucleotide variant.
Coding change: c.5672C>A on transcript NM_000051.4 (MANE Select); coding-DNA position 5672, C replaced by A.
Protein change: p.Ser1891Ter; replaces serine 1891 with a stop codon.
Molecular consequence: nonsense.
Genome position (GRCh38, 1-based): chr11:108,304,850, C>A. VCF-style: chr11-108304850-C-A. GRCh37 (hg19) VCF-style: chr11-108175577-C-A.
Other names: c.5672C>A, p.Ser1891Ter (NM_001351834.2); short protein forms S1891*.
Identifiers: ClinVar variation 2431304 (VCV002431304.1), dbSNP rs2135946592, ClinGen allele CA382546605.
Genomic context (GRCh38, chr11:108,304,850, plus strand): 5'-CCAGCTGTCTTCGACACTTCTCGCAAACGAGCCGATCCACAACCCCTGCAAACTTGGATT[C>A]AGGTATTCTATTAAATTTTTAACATTAATACTGTAAACTCAGTTCTAGAGAAAGATGGAT-3'

ClinVar aggregate classification (germline): Pathogenic (1 of 4 stars; one submission).

Conditions:
Familial cancer of breast. Also called: Hereditary breast cancer; BREAST CANCER, FAMILIAL; hereditary breast carcinoma. Identifiers: Orphanet 227535, MedGen C0346153, MONDO:0016419, OMIM 114480. Disease mechanism: loss of function.

Submission:

Myriad Genetics, Inc.
Classification: Pathogenic for Familial cancer of breast. Last evaluated: 2023-01-09. Review status: criteria provided, single submitter. Criteria: Myriad Autosomal Dominant, Autosomal Recessive and X-Linked Classification Criteria (2023). Collection method: clinical testing. Allele origin: unknown.
Comment: This variant is considered pathogenic. This variant creates a termination codon and is predicted to result in premature protein truncation.